The following is an entry in ClinVar:

NM_004281.4(BAG3):c.507+5G>A

Gene: BAG3 (BAG cochaperone 3; plus strand). Cytogenetic location: 10q26.11.
Variant type: single nucleotide variant.
Coding change: c.507+5G>A on transcript NM_004281.4 (MANE Select); 5 bases into the intron after coding-DNA position 507, G replaced by A.
Molecular consequence: intron variant.
Genome position (GRCh38, 1-based): chr10:119,670,182, G>A. VCF-style: chr10-119670182-G-A. GRCh37 (hg19) VCF-style: chr10-121429694-G-A.
Identifiers: ClinVar variation 2176798 (VCV002176798.1), dbSNP rs2494010025, ClinGen allele CA2580082419.

ClinVar aggregate classification (germline): Uncertain significance (1 of 4 stars; one submission).

Conditions:
Dilated cardiomyopathy 1HH (CMD1HH). Identifiers: Orphanet 154, MedGen C3151293, MONDO:0013479, OMIM 613881.
Myofibrillar myopathy 6. Identifiers: Orphanet 199340, MedGen C2751831, MONDO:0013061, OMIM 612954.

gnomAD v4.1: 1 of 1,603,446 alleles (0.000062%); no homozygotes.

Submission:

Labcorp Genetics (formerly Invitae), Labcorp
Classification: Uncertain significance for Dilated cardiomyopathy 1HH; Myofibrillar myopathy 6. Last evaluated: 2021-08-23. Review status: criteria provided, single submitter. Criteria: Invitae Variant Classification Sherloc (09022015). Collection method: clinical testing. Allele origin: germline.
Comment: This sequence change falls in intron 2 of the BAG3 gene. It does not directly change the encoded amino acid sequence of the BAG3 protein. It affects a nucleotide within the consensus splice site of the intron. This variant is not present in population databases (ExAC no frequency). This variant has not been reported in the literature in individuals affected with BAG3-related conditions. Variants that disrupt the consensus splice site are a relatively common cause of aberrant splicing (PMID: 17576681, 9536098). Algorithms developed to predict the effect of sequence changes on RNA splicing suggest that this variant may disrupt the consensus splice site. In summary, the available evidence is currently insufficient to determine the role of this variant in disease. Therefore, it has been classified as a Variant of Uncertain Significance.

Literature cited by the submitters: PubMed 17576681; PubMed 9536098.